The following is an entry in ClinVar:

NM_001165963.4(SCN1A):c.549dup (p.Thr184fs)

Gene: SCN1A (sodium voltage-gated channel alpha subunit 1; minus strand). Cytogenetic location: 2q24.3.
Variant type: Duplication.
Coding change: c.549dup on transcript NM_001165963.4 (MANE Select); coding-DNA position 549, one base duplicated (T; older notation c.549dupT).
Protein change: p.Thr184fs; shifts the reading frame from threonine 184.
Molecular consequence: frameshift variant. On other transcripts: 5 prime UTR variant (1), non-coding transcript variant (1).
Genome position (GRCh38, 1-based): chr2:166,054,691, A duplicated on the plus strand (T on the coding strand, the reverse complement: SCN1A is on the minus strand); the first of 4 consecutive A bases (chr2:166,054,691-166,054,694); duplicating any one gives the same sequence. VCF-style (leftmost placement, unchanged base first): chr2-166054690-T-TA. GRCh37 (hg19) VCF-style: chr2-166911200-T-TA.
Other names: c.549dup, p.Thr184fs (NM_001165964.3, NM_001202435.3, NM_001353948.2 and 10 more transcripts); c.-1877dup (NM_001353961.2); c.549dupT (NM_001165963.1); short protein forms T184fs.
Identifiers: ClinVar variation 449096 (VCV000449096.6), dbSNP rs1553551425, ClinGen allele CA658657100.

ClinVar aggregate classification (germline): Pathogenic. Review status: criteria provided, multiple submitters, no conflicts (2 of 4 stars). 2 submissions from 2 submitters: Pathogenic (2). Last evaluated 2024-11-21.

Conditions:
Early-infantile DEE. Also called: Early infantile epileptic encephalopathy; Ohtahara syndrome; Early infantile epileptic encephalopathy with suppression bursts. Identifiers: Orphanet 1934, MedGen C0393706, MONDO:0800491.

Submissions (2):

Labcorp Genetics (formerly Invitae), Labcorp
Classification: Pathogenic for Early-infantile DEE. Last evaluated: 2024-11-21. Review status: criteria provided, single submitter. Criteria: Invitae Variant Classification Sherloc (09022015). Collection method: clinical testing. Allele origin: germline.
Comment: This sequence change creates a premature translational stop signal (p.Thr184Tyrfs*93) in the SCN1A gene. It is expected to result in an absent or disrupted protein product. Loss-of-function variants in SCN1A are known to be pathogenic (PMID: 17347258, 18930999). This variant is not present in population databases (gnomAD no frequency). This premature translational stop signal has been observed in individual(s) with clinical features of SCN1A-related conditions (PMID: 29655203). ClinVar contains an entry for this variant (Variation ID: 449096). For these reasons, this variant has been classified as Pathogenic.

GeneDx
Classification: Pathogenic. Last evaluated: 2020-03-11. Review status: criteria provided, single submitter. Criteria: GeneDx Variant Classification Process June 2021. Collection method: clinical testing. Allele origin: germline. Affected: yes.
Comment: Frameshift variant predicted to result in protein truncation or nonsense mediated decay in a gene for which loss-of-function is a known mechanism of disease; Not observed in large population cohorts (Lek et al., 2016); This variant is associated with the following publications: (PMID: 29655203)

Literature cited by the submitters: PubMed 17347258 (cited by Labcorp Genetics (formerly Invitae), Labcorp); PubMed 18930999 (cited by Labcorp Genetics (formerly Invitae), Labcorp); PubMed 29655203 (cited by Labcorp Genetics (formerly Invitae), Labcorp).